The following is an entry in ClinVar:

NM_020207.7(ERCC6L2):c.1922T>C (p.Met641Thr)

Gene: ERCC6L2 (ERCC excision repair 6 like 2; plus strand). Cytogenetic location: 9q22.32.
Variant type: single nucleotide variant.
Coding change: c.1922T>C on transcript NM_020207.7 (MANE Select); coding-DNA position 1922, T replaced by C.
Protein change: p.Met641Thr; replaces methionine 641 with threonine.
Molecular consequence: missense variant. On other transcripts: non-coding transcript variant (1).
Genome position (GRCh38, 1-based): chr9:95,955,988, T>C. VCF-style: chr9-95955988-T-C. GRCh37 (hg19) VCF-style: chr9-98718270-T-C.
Other names: c.1922T>C, p.Met641Thr (NM_001010895.4, NM_001375291.1, NM_001375292.1 and 2 more transcripts); short protein forms M641T.
Identifiers: ClinVar variation 1501542 (VCV001501542.9), dbSNP rs750616975, ClinGen allele CA5139746.

ClinVar aggregate classification (germline): Uncertain significance. Review status: criteria provided, multiple submitters, no conflicts (2 of 4 stars). 4 submissions from 4 submitters: Uncertain significance (4). Last evaluated 2025-10-22.

Conditions:
Inborn genetic diseases. Identifiers: MedGen C0950123, MeSH D030342.

Allele frequency attached by ClinVar (database versions not stated): TOPMed 0.00002; ExAC 0.00003; gnomAD 0.00003; gnomAD exomes 0.00004.
gnomAD v4.1: 64 of 1,605,528 alleles (0.004%); highest among the groups gnomAD compares: Middle Eastern, 0.05%; no homozygotes.

Submissions (4):

Labcorp Genetics (formerly Invitae), Labcorp
Classification: Uncertain significance. Last evaluated: 2025-10-22. Review status: criteria provided, single submitter. Criteria: Invitae Variant Classification Sherloc (09022015). Collection method: clinical testing. Allele origin: germline.
Comment: This sequence change replaces methionine, which is neutral and non-polar, with threonine, which is neutral and polar, at codon 652 of the ERCC6L2 protein (p.Met652Thr). This variant is present in population databases (rs750616975, gnomAD 0.009%). This variant has not been reported in the literature in individuals affected with ERCC6L2-related conditions. ClinVar contains an entry for this variant (Variation ID: 1501542). Experimental studies and prediction algorithms are not available or were not evaluated, and the functional significance of this variant is currently unknown. In summary, the available evidence is currently insufficient to determine the role of this variant in disease. Therefore, it has been classified as a Variant of Uncertain Significance.

Ambry Genetics
Classification: Uncertain significance for Inborn genetic diseases. Last evaluated: 2025-02-28. Review status: criteria provided, single submitter. Criteria: Ambry Variant Classification Scheme 2023. Collection method: clinical testing. Allele origin: germline.

Blueprint Genetics
Classification: Uncertain significance. Last evaluated: 2024-11-15. Review status: criteria provided, single submitter. Criteria: ACMG Guidelines, 2015. Collection method: clinical testing. Allele origin: germline.

Breakthrough Genomics
Classification: Uncertain significance. Review status: criteria provided, single submitter. Criteria: ACMG Guidelines, 2015. Collection method: not provided. Allele origin: germline. Inheritance: Autosomal recessive inheritance. Affected: yes.